The following is an entry in ClinVar:

ClinVar aggregate classification (germline): Uncertain significance (1 of 4 stars; one submission).

Conditions:
Charcot-Marie-Tooth disease axonal type 2O. Also called: Charcot-Marie-Tooth Neuropathy Type 2O; Charcot-Marie-Tooth disease, axonal, type 20; CHARCOT-MARIE-TOOTH NEUROPATHY, AXONAL, TYPE 2O; CHARCOT-MARIE-TOOTH DISEASE, AXONAL, AUTOSOMAL DOMINANT, TYPE 2O. Identifiers: Orphanet 284232, MedGen C3280220, MONDO:0013644, OMIM 614228.

Allele frequency attached by ClinVar (database versions not stated): TOPMed below 0.00001; gnomAD 0.00001.
gnomAD v4.1: 1 of 1,614,054 alleles (0.000062%); highest among the groups gnomAD compares: Non-Finnish European, 0.000085%; no homozygotes.

Submission:

Labcorp Genetics (formerly Invitae), Labcorp
Classification: Uncertain significance for Charcot-Marie-Tooth disease axonal type 2O. Last evaluated: 2021-11-04. Review status: criteria provided, single submitter. Criteria: Invitae Variant Classification Sherloc (09022015). Collection method: clinical testing. Allele origin: germline.
Comment: This sequence change replaces valine, which is neutral and non-polar, with isoleucine, which is neutral and non-polar, at codon 1673 of the DYNC1H1 protein (p.Val1673Ile). This variant is not present in population databases (gnomAD no frequency). This variant has not been reported in the literature in individuals affected with DYNC1H1-related conditions. Advanced modeling of protein sequence and biophysical properties (such as structural, functional, and spatial information, amino acid conservation, physicochemical variation, residue mobility, and thermodynamic stability) performed at Invitae indicates that this missense variant is not expected to disrupt DYNC1H1 protein function. In summary, the available evidence is currently insufficient to determine the role of this variant in disease. Therefore, it has been classified as a Variant of Uncertain Significance.

NM_001376.5(DYNC1H1):c.5017G>A (p.Val1673Ile)

Gene: DYNC1H1 (dynein cytoplasmic 1 heavy chain 1; plus strand). Cytogenetic location: 14q32.31.
Variant type: single nucleotide variant.
Coding change: c.5017G>A on transcript NM_001376.5 (MANE Select); coding-DNA position 5017, G replaced by A.
Protein change: p.Val1673Ile; replaces valine 1673 with isoleucine.
Molecular consequence: missense variant.
Genome position (GRCh38, 1-based): chr14:102,004,651, G>A. VCF-style: chr14-102004651-G-A. GRCh37 (hg19) VCF-style: chr14-102470988-G-A.
Other names: short protein forms V1673I.
Identifiers: ClinVar variation 1346855 (VCV001346855.6), dbSNP rs2048176208, ClinGen allele CA391045178.